The following is an entry in ClinVar:

ClinVar aggregate classification (germline): Uncertain significance (1 of 4 stars; one submission).

Submission:

Ambry Genetics
Classification: Uncertain significance. Last evaluated: 2025-01-06. Review status: criteria provided, single submitter. Criteria: Ambry Variant Classification Scheme 2023. Collection method: clinical testing. Allele origin: germline.
Comment: The p.Q818P variant (also known as c.2453A>C), located in coding exon 13 of the GEN1 gene, results from an A to C substitution at nucleotide position 2453. The glutamine at codon 818 is replaced by proline, an amino acid with similar properties. This amino acid position is conserved. In addition, this alteration is predicted to be tolerated by in silico analysis. Based on the available evidence, the clinical significance of this variant remains unclear.

NM_001130009.3(GEN1):c.2453A>C (p.Gln818Pro)

Gene: GEN1 (GEN1 Holliday junction 5' flap endonuclease; plus strand). Cytogenetic location: 2p24.2.
Variant type: single nucleotide variant.
Coding change: c.2453A>C on transcript NM_001130009.3 (MANE Select); coding-DNA position 2453, A replaced by C.
Protein change: p.Gln818Pro; replaces glutamine 818 with proline.
Molecular consequence: missense variant.
Genome position (GRCh38, 1-based): chr2:17,781,665, A>C. VCF-style: chr2-17781665-A-C. GRCh37 (hg19) VCF-style: chr2-17962932-A-C.
Other names: c.2453A>C, p.Gln818Pro (NM_182625.5); short protein forms Q818P.
Identifiers: ClinVar variation 3853489 (VCV003853489.1).